The following is an entry in ClinVar:

NM_173660.5(DOK7):c.661C>T (p.Pro221Ser)

Gene: DOK7 (docking protein 7; plus strand). Cytogenetic location: 4p16.3.
Variant type: single nucleotide variant.
Coding change: c.661C>T on transcript NM_173660.5 (MANE Select); coding-DNA position 661, C replaced by T.
Protein change: p.Pro221Ser; replaces proline 221 with serine.
Molecular consequence: missense variant. On other transcripts: 5 prime UTR variant (1).
Genome position (GRCh38, 1-based): chr4:3,489,685, C>T. VCF-style: chr4-3489685-C-T. GRCh37 (hg19) VCF-style: chr4-3491412-C-T.
Other names: c.650C>T, p.Ser217Phe (NM_001164673.2); c.-270C>T (NM_001256896.2); c.661C>T, p.Pro221Ser (NM_001301071.2); c.229C>T, p.Pro77Ser (NM_001363811.2); short protein forms P221S, P77S, S217F.
Identifiers: ClinVar variation 946849 (VCV000946849.9), dbSNP rs377167511, ClinGen allele CA2829138.
Genomic context (GRCh38, chr4:3,489,685, plus strand): 5'-GAGGGTGGGCGGTGGTGGCCACCTCCTCCACCGAGTCTTCTCTCTGCCACAGACCCAAGT[C>T]CCCCGGGACCCTCGACTGTGGAGGAGCGTGTGGCCCAGGAAGCCCTGGAAACCCTACAGC-3'
Protein context (NP_775931.3, residues 211-231): GLRPVLPDPS[Pro221Ser]PGPSTVEERV

ClinVar aggregate classification (germline): Uncertain significance (1 of 4 stars; one submission).

Conditions:
Fetal akinesia deformation sequence 1 (FADS1). Also called: Fetal akinesia sequence; Pena-Shokeir syndrome type I. Identifiers: Orphanet 994, MedGen C1276035, MONDO:0100101, OMIM 208150, HP:0001989.
Congenital myasthenic syndrome 10. Also called: Myasthenia, limb-girdle, familial. Identifiers: Orphanet 590, MedGen C1850792, MONDO:0009690, OMIM 254300.

Allele frequency attached by ClinVar (database versions not stated): TOPMed 0.00001; ESP Exome Variant Server 0.00008.
gnomAD v4.1: 15 of 1,565,308 alleles (0.00096%); highest among the groups gnomAD compares: South Asian, 0.0012%; no homozygotes.

Submission:

Labcorp Genetics (formerly Invitae), Labcorp
Classification: Uncertain significance for Congenital myasthenic syndrome 10; Fetal akinesia deformation sequence 1. Last evaluated: 2019-06-05. Review status: criteria provided, single submitter. Criteria: Invitae Variant Classification Sherloc (09022015). Collection method: clinical testing. Allele origin: germline.
Comment: In summary, the available evidence is currently insufficient to determine the role of this variant in disease. Therefore, it has been classified as a Variant of Uncertain Significance. Algorithms developed to predict the effect of missense changes on protein structure and function output the following: SIFT: "Tolerated"; PolyPhen-2: "Benign"; Align-GVGD: "Class C0". The serine amino acid residue is found in multiple mammalian species, suggesting that this missense change does not adversely affect protein function. These predictions have not been confirmed by published functional studies and their clinical significance is uncertain. This variant has not been reported in the literature in individuals with DOK7-related conditions. This variant is present in population databases (rs377167511, ExAC 0.03%). This sequence change replaces proline with serine at codon 221 of the DOK7 protein (p.Pro221Ser). The proline residue is weakly conserved and there is a moderate physicochemical difference between proline and serine.